The following is an entry in ClinVar:

ClinVar aggregate classification (germline): Likely benign. Review status: criteria provided, single submitter (1 of 4 stars). 2 submissions from 2 submitters: Likely benign (1). 1 of the submissions does not count toward it. Last evaluated 2024-11-11.

Conditions:
COL18A1-related disorder. Also called: COL18A1-related disorders; COL18A1-related condition.

gnomAD v4.1: 220 of 1,548,246 alleles (0.014%); highest among the groups gnomAD compares: African/African-American, 0.18%; 1 homozygote.

Submissions (2):

Blueprint Genetics
Classification: Likely benign. Last evaluated: 2024-11-11. Review status: criteria provided, single submitter. Criteria: ACMG Guidelines, 2015. Collection method: clinical testing. Allele origin: germline.

PreventionGenetics, part of Exact Sciences
Classification: Uncertain significance for COL18A1-related condition. Last evaluated: 2024-08-15. Review status: no assertion criteria provided. Collection method: clinical testing. Allele origin: germline. Not counted in ClinVar's aggregate classification.
Comment: The COL18A1 c.994G>A variant is predicted to result in the amino acid substitution p.Gly332Ser. To our knowledge, this variant has not been reported in the literature. This variant is reported in 0.20% of alleles in individuals of African descent in gnomAD, which is more common than expected for an undocumented cause of disease. Although we suspect that this variant may be benign, at this time, the clinical significance is uncertain due to the absence of conclusive functional and genetic evidence.

NM_001379500.1(COL18A1):c.107-11718G>A

Gene: COL18A1 (collagen type XVIII alpha 1 chain; plus strand). Cytogenetic location: 21q22.3.
Variant type: single nucleotide variant.
Coding change: c.107-11718G>A on transcript NM_001379500.1 (MANE Select); 11718 bases into the intron before coding-DNA position 107, G replaced by A.
Molecular consequence: intron variant. On other transcripts: missense variant (1).
Genome position (GRCh38, 1-based): chr21:45,456,524, G>A. VCF-style: chr21-45456524-G-A. GRCh37 (hg19) VCF-style: chr21-46876438-G-A.
Other names: c.994G>A, p.Gly332Ser (NM_130444.3); c.646+348G>A (NM_030582.4); short protein forms G332S.
Identifiers: ClinVar variation 3350019 (VCV003350019.2).